The following is an entry in ClinVar:

NM_000440.3(PDE6A):c.1824C>G (p.Asn608Lys)

Gene: PDE6A (phosphodiesterase 6A; minus strand). Cytogenetic location: 5q32.
Variant type: single nucleotide variant.
Coding change: c.1824C>G on transcript NM_000440.3 (MANE Select); coding-DNA position 1824, C replaced by G.
Protein change: p.Asn608Lys; replaces asparagine 608 with lysine.
Molecular consequence: missense variant.
Genome position (GRCh38, 1-based): chr5:149,886,279, G>C on the plus strand (C>G on the coding strand, the complement: PDE6A is on the minus strand). VCF-style: chr5-149886279-G-C. GRCh37 (hg19) VCF-style: chr5-149265842-G-C.
Other names: short protein forms N608K.
Identifiers: ClinVar variation 907855 (VCV000907855.8), dbSNP rs773601046, ClinGen allele CA3504529.
Genomic context (GRCh38, chr5:149,886,279, plus strand): 5'-GATAATGAATCCGGAGGGTTGGGTGTGGGGAGGGAGGCTGACTCACTTCATCTGGTAGAG[G>C]TTATTGGTGCCTCTGTGGTCAATGTCATGGCAGAAAGCAGCAGTGACCATGGCCAAGGCC-3'
Protein context (NP_000431.2, residues 598-618): CHDIDHRGTN[Asn608Lys]LYQMKSQNPL

ClinVar aggregate classification (germline): Uncertain significance. Review status: criteria provided, multiple submitters, no conflicts (2 of 4 stars). 2 submissions from 2 submitters: Uncertain significance (2). Last evaluated 2025-01-06.

Conditions:
Retinitis pigmentosa (RP). Identifiers: Orphanet 791, MedGen C0035334, MeSH D012174, MONDO:0019200, OMIM 268000. Inheritance: Autosomal dominant, autosomal recessive and X linked inheritance.

Allele frequency attached by ClinVar (database versions not stated): ExAC 0.00001; gnomAD 0.00003 and 0.00004; TOPMed 0.00003.
gnomAD v4.1: 17 of 1,612,682 alleles (0.0011%); highest among the groups gnomAD compares: Admixed American, 0.017%; no homozygotes.

Submissions (2):

Labcorp Genetics (formerly Invitae), Labcorp
Classification: Uncertain significance. Last evaluated: 2025-01-06. Review status: criteria provided, single submitter. Criteria: Invitae Variant Classification Sherloc (09022015). Collection method: clinical testing. Allele origin: germline.
Comment: This sequence change replaces asparagine, which is neutral and polar, with lysine, which is basic and polar, at codon 608 of the PDE6A protein (p.Asn608Lys). This variant is present in population databases (rs773601046, gnomAD 0.006%). This variant has not been reported in the literature in individuals affected with PDE6A-related conditions. ClinVar contains an entry for this variant (Variation ID: 907855). Invitae Evidence Modeling of protein sequence and biophysical properties (such as structural, functional, and spatial information, amino acid conservation, physicochemical variation, residue mobility, and thermodynamic stability) has been performed for this missense variant. However, the output from this modeling did not meet the statistical confidence thresholds required to predict the impact of this variant on PDE6A protein function. In summary, the available evidence is currently insufficient to determine the role of this variant in disease. Therefore, it has been classified as a Variant of Uncertain Significance.

Illumina Laboratory Services, Illumina
Classification: Uncertain significance for Retinitis pigmentosa. Last evaluated: 2018-01-12. Review status: criteria provided, single submitter. Criteria: ICSL Variant Classification Criteria 13 December 2019. Collection method: clinical testing. Allele origin: germline.